The following is an entry in ClinVar:

ClinVar aggregate classification (germline): Uncertain significance (1 of 4 stars; one submission).

gnomAD v4.1: 1 of 1,613,988 alleles (0.000062%); highest among the groups gnomAD compares: Non-Finnish European, 0.000085%; no homozygotes.

Submission:

Labcorp Genetics (formerly Invitae), Labcorp
Classification: Uncertain significance. Last evaluated: 2023-10-24. Review status: criteria provided, single submitter. Criteria: Invitae Variant Classification Sherloc (09022015). Collection method: clinical testing. Allele origin: germline.
Comment: This sequence change replaces valine, which is neutral and non-polar, with methionine, which is neutral and non-polar, at codon 336 of the SLC4A1 protein (p.Val336Met). This variant is not present in population databases (gnomAD no frequency). This variant has not been reported in the literature in individuals affected with SLC4A1-related conditions. Advanced modeling of protein sequence and biophysical properties (such as structural, functional, and spatial information, amino acid conservation, physicochemical variation, residue mobility, and thermodynamic stability) performed at Invitae indicates that this missense variant is not expected to disrupt SLC4A1 protein function with a negative predictive value of 80%. In summary, the available evidence is currently insufficient to determine the role of this variant in disease. Therefore, it has been classified as a Variant of Uncertain Significance.

NM_000342.4(SLC4A1):c.1006G>A (p.Val336Met)

Gene: SLC4A1 (solute carrier family 4 member 1 (Diego blood group); minus strand). Cytogenetic location: 17q21.31.
Variant type: single nucleotide variant.
Coding change: c.1006G>A on transcript NM_000342.4 (MANE Select); coding-DNA position 1006, G replaced by A.
Protein change: p.Val336Met; replaces valine 336 with methionine.
Molecular consequence: missense variant.
Genome position (GRCh38, 1-based): chr17:44,258,494, C>T on the plus strand (G>A on the coding strand, the complement: SLC4A1 is on the minus strand). VCF-style: chr17-44258494-C-T. GRCh37 (hg19) VCF-style: chr17-42335862-C-T.
Other names: short protein forms V336M.
Identifiers: ClinVar variation 2753912 (VCV002753912.3), dbSNP rs2509967383, ClinGen allele CA399788626.